The following is an entry in ClinVar:

NM_001037333.3(CYFIP2):c.1615A>G (p.Lys539Glu)

Gene: CYFIP2 (cytoplasmic FMR1 interacting protein 2; plus strand). Cytogenetic location: 5q33.3.
Variant type: single nucleotide variant.
Coding change: c.1615A>G on transcript NM_001037333.3 (MANE Select); coding-DNA position 1615, A replaced by G.
Protein change: p.Lys539Glu; replaces lysine 539 with glutamic acid.
Molecular consequence: missense variant.
Genome position (GRCh38, 1-based): chr5:157,320,746, A>G. VCF-style: chr5-157320746-A-G. GRCh37 (hg19) VCF-style: chr5-156747754-A-G.
Other names: c.1537A>G, p.Lys513Glu (NM_001291721.2); c.1615A>G, p.Lys539Glu (NM_001291722.2, NM_014376.4); short protein forms K513E, K539E.
Identifiers: ClinVar variation 2828720 (VCV002828720.3), dbSNP rs2532396649, ClinGen allele CA361969368.
Genomic context (GRCh38, chr5:157,320,746, plus strand): 5'-GACTGGGAGGGAGGGCGAGAGCCCCCTAATGACCCATGCTTGAGAGGGGAGAAGGACCCC[A>G]AAGGTGGATTTGATATCAAGGTGCCCCGGCGTGCTGTGGGGCCATCCAGCACACAGGTAA-3'
Protein context (NP_001032410.1, residues 529-549): DPCLRGEKDP[Lys539Glu]GGFDIKVPRR

ClinVar aggregate classification (germline): Uncertain significance (1 of 4 stars; one submission).

Submission:

Labcorp Genetics (formerly Invitae), Labcorp
Classification: Uncertain significance. Last evaluated: 2023-01-15. Review status: criteria provided, single submitter. Criteria: Invitae Variant Classification Sherloc (09022015). Collection method: clinical testing. Allele origin: germline.
Comment: In summary, the available evidence is currently insufficient to determine the role of this variant in disease. Therefore, it has been classified as a Variant of Uncertain Significance. Algorithms developed to predict the effect of missense changes on protein structure and function are either unavailable or do not agree on the potential impact of this missense change (SIFT: "Tolerated"; PolyPhen-2: "Not Available"; Align-GVGD: "Class C0"). This variant has not been reported in the literature in individuals affected with CYFIP2-related conditions. This variant is not present in population databases (gnomAD no frequency). This sequence change replaces lysine, which is basic and polar, with glutamic acid, which is acidic and polar, at codon 539 of the CYFIP2 protein (p.Lys539Glu).